The following is an entry in ClinVar:

NM_000138.5(FBN1):c.6308C>T (p.Pro2103Leu)

Gene: FBN1 (fibrillin 1; minus strand). Cytogenetic location: 15q21.1.
Variant type: single nucleotide variant.
Coding change: c.6308C>T on transcript NM_000138.5 (MANE Select); coding-DNA position 6308, C replaced by T.
Protein change: p.Pro2103Leu; replaces proline 2103 with leucine.
Molecular consequence: missense variant.
Genome position (GRCh38, 1-based): chr15:48,437,773, G>A on the plus strand (C>T on the coding strand, the complement: FBN1 is on the minus strand). VCF-style: chr15-48437773-G-A. GRCh37 (hg19) VCF-style: chr15-48729970-G-A.
Other names: c.6308C>T, p.Pro2103Leu (NM_001406716.1); short protein forms P2103L.
Identifiers: ClinVar variation 2928440 (VCV002928440.3), dbSNP rs2505438438, ClinGen allele CA392336894.

ClinVar aggregate classification (germline): Uncertain significance (1 of 4 stars; one submission).

Conditions:
Marfan syndrome (MFS). Also called: MARFAN SYNDROME, TYPE I; Marfan syndrome type 1; Marfan's syndrome; Marfan syndrome, classic; FBN1-Related Marfan Syndrome. Identifiers: Orphanet 284963, Orphanet 558, MedGen C0024796, MONDO:0007947, OMIM 154700.
Familial thoracic aortic aneurysm and aortic dissection (TAAD). Also called: Thoracic aortic aneurysms and dissections. Identifiers: Orphanet 91387, MedGen C4707243, MONDO:0019625.

gnomAD v4.1: 1 of 1,613,712 alleles (0.000062%); highest among the groups gnomAD compares: Non-Finnish European, 0.000085%; no homozygotes.

Submission:

Labcorp Genetics (formerly Invitae), Labcorp
Classification: Uncertain significance for Marfan syndrome; Familial thoracic aortic aneurysm and aortic dissection. Last evaluated: 2025-04-11. Review status: criteria provided, single submitter. Criteria: Invitae Variant Classification Sherloc (09022015). Collection method: clinical testing. Allele origin: germline.
Comment: This sequence change replaces proline, which is neutral and non-polar, with leucine, which is neutral and non-polar, at codon 2103 of the FBN1 protein (p.Pro2103Leu). This variant is not present in population databases (gnomAD no frequency). This variant has not been reported in the literature in individuals affected with FBN1-related conditions. ClinVar contains an entry for this variant (Variation ID: 2928440). Invitae Evidence Modeling of protein sequence and biophysical properties (such as structural, functional, and spatial information, amino acid conservation, physicochemical variation, residue mobility, and thermodynamic stability) has been performed for this missense variant. However, the output from this modeling did not meet the statistical confidence thresholds required to predict the impact of this variant on FBN1 protein function. In summary, the available evidence is currently insufficient to determine the role of this variant in disease. Therefore, it has been classified as a Variant of Uncertain Significance.